The following is an entry in ClinVar:

NM_002382.5(MAX):c.115A>G (p.Ile39Val)

Genes: MAX (MYC associated transcriptional regulator X; minus strand), MAX-AS1 (MAX antisense RNA 1; plus strand). Cytogenetic location: 14q23.3.
Variant type: single nucleotide variant.
Coding change: c.115A>G on transcript NM_002382.5 (MANE Select); coding-DNA position 115, A replaced by G.
Protein change: p.Ile39Val; replaces isoleucine 39 with valine.
Molecular consequence: missense variant. On other transcripts: non-coding transcript variant (1), 5 prime UTR variant (1), synonymous variant (1).
Genome position (GRCh38, 1-based): chr14:65,093,764, T>C on the plus strand (A>G on the coding strand, the complement: MAX is on the minus strand). VCF-style: chr14-65093764-T-C. GRCh37 (hg19) VCF-style: chr14-65560482-T-C.
Other names: c.88A>G, p.Ile30Val (NM_001271068.2, NM_001271069.2, NM_001407095.1 and 9 more transcripts); c.-160A>G (NM_001320415.2, NM_001407105.1, NM_001407106.1 and 1 more transcripts); c.115A>G, p.Ile39Val (NM_001407094.1, NM_001407096.1, NM_001407103.1 and 5 more transcripts); c.-253A>G (NM_001407111.1, NM_001407112.1); c.138A>G, p.Thr46= (NM_001407114.1); short protein forms I30V, I39V.
Identifiers: ClinVar variation 1002933 (VCV001002933.9), dbSNP rs2063580953, ClinGen allele CA390037723.
Genomic context (GRCh38, chr14:65,093,764, plus strand): 5'-TCACCTTCTCTCCTTGGAGTGATGGGACTGAGTCCCGCAAACTGTGAAAGCTGTCTTTGA[T>C]GTGGTCCCTACGTTTTCGTTCCAGTGCATTATGATGAGCCCGTTTGTCAGCCTAGAAGAA-3'
Protein context (NP_002373.3, residues 29-49): NALERKRRDH[Ile39Val]KDSFHSLRDS

ClinVar aggregate classification (germline): Uncertain significance (1 of 4 stars; one submission).

Conditions:
Hereditary pheochromocytoma and paraganglioma. Also called: Hereditary pheochromocytoma-paraganglioma; Hereditary Paraganglioma-Pheochromocytoma Syndromes; Hereditary paragangliomas and pheochromocytomas. Identifiers: Orphanet 29072, MedGen C4274332, MONDO:0017366.

Submission:

Labcorp Genetics (formerly Invitae), Labcorp
Classification: Uncertain significance for Hereditary pheochromocytoma and paraganglioma. Last evaluated: 2023-08-10. Review status: criteria provided, single submitter. Criteria: Invitae Variant Classification Sherloc (09022015). Collection method: clinical testing. Allele origin: germline.
Comment: In summary, the available evidence is currently insufficient to determine the role of this variant in disease. Therefore, it has been classified as a Variant of Uncertain Significance. An algorithm developed to predict the effect of missense changes on protein structure and function (PolyPhen-2) suggests that this variant is likely to be disruptive. ClinVar contains an entry for this variant (Variation ID: 1002933). This variant has not been reported in the literature in individuals affected with MAX-related conditions. This variant is not present in population databases (gnomAD no frequency). This sequence change replaces isoleucine, which is neutral and non-polar, with valine, which is neutral and non-polar, at codon 39 of the MAX protein (p.Ile39Val).